The following is an entry in ClinVar:

NM_001164496.2(CFAP44):c.3615+8T>C

Genes: CFAP44 (cilia and flagella associated protein 44; minus strand), SPICE1-CFAP44 (SPICE1-CFAP44 readthrough (NMD candidate); minus strand). Cytogenetic location: 3q13.2.
Variant type: single nucleotide variant.
Coding change: c.3615+8T>C on transcript NM_001164496.2 (MANE Select); 8 bases into the intron after coding-DNA position 3615, T replaced by C.
Molecular consequence: intron variant.
Genome position (GRCh38, 1-based): chr3:113,333,398, A>G on the plus strand (T>C on the coding strand, the complement: CFAP44 is on the minus strand). VCF-style: chr3-113333398-A-G. GRCh37 (hg19) VCF-style: chr3-113052245-A-G.
Identifiers: ClinVar variation 731086 (VCV000731086.6), dbSNP rs11921768, ClinGen allele CA2543709.
Genomic context (GRCh38, chr3:113,333,398, plus strand): 5'-GTTTTAGCAGAATTTAATTAAGAACCCAGGGTGCCTTCTCCATTGTCATAAAATCTGTAG[A>G]TAAGTACCAAAGAATCTAGGTGTCCTAGTTCCTCTTCCTTCTTGGCAGCATTTATTCTCA-3'

ClinVar aggregate classification (germline): Likely benign. Review status: criteria provided, single submitter (1 of 4 stars). 2 submissions from 2 submitters: Likely benign (1). 1 of the submissions does not count toward it. Last evaluated 2019-12-31.

Conditions:
CFAP44-related disorder. Also called: CFAP44-related condition.

Allele frequency attached by ClinVar (database versions not stated): gnomAD exomes 0.00004 and 0.00013; ExAC 0.00026; ESP Exome Variant Server 0.00066; gnomAD 0.00072 and 0.00075; TOPMed 0.00090; 1000 Genomes Project 30x 0.00125; 1000 Genomes Project 0.00140.
gnomAD v4.1: 169 of 1,535,668 alleles (0.011%); highest among the groups gnomAD compares: African/African-American, 0.21%; 1 homozygote.

Submissions (2):

Labcorp Genetics (formerly Invitae), Labcorp
Classification: Likely benign. Last evaluated: 2019-12-31. Review status: criteria provided, single submitter. Criteria: Invitae Variant Classification Sherloc (09022015). Collection method: clinical testing. Allele origin: germline.

PreventionGenetics, part of Exact Sciences
Classification: Likely benign for CFAP44-related condition. Last evaluated: 2019-03-26. Review status: no assertion criteria provided. Collection method: clinical testing. Allele origin: germline. Not counted in ClinVar's aggregate classification.
Comment: This variant is classified as likely benign based on ACMG/AMP sequence variant interpretation guidelines (Richards et al. 2015 PMID: 25741868, with internal and published modifications).